The following is an entry in ClinVar:

NC_000009.12:g.5450497G>C

Gene: CD274 (CD274 molecule; plus strand). Cytogenetic location: 9p24.1.
Variant type: single nucleotide variant.
Genome position: GRCh38 VCF-style: chr9-5450497-G-C. GRCh37 (hg19) VCF-style: chr9-5450497-G-C.
Identifiers: ClinVar variation 1274128 (VCV001274128.3), dbSNP rs10815225, ClinGen allele CA12979001.

ClinVar aggregate classification (germline): Benign. Review status: criteria provided, multiple submitters, no conflicts (2 of 4 stars). 2 submissions from 2 submitters: Benign (2). Last evaluated 2021-02-23.

Allele frequency attached by ClinVar (database versions not stated): gnomAD exomes 0.05000; 1000 Genomes Project 30x 0.16177; 1000 Genomes Project 0.16354; TOPMed 0.16683.

Submissions (2):

GeneDx
Classification: Benign. Last evaluated: 2021-02-23. Review status: criteria provided, single submitter. Criteria: GeneDx Variant Classification Process June 2021. Collection method: clinical testing. Allele origin: germline. Affected: yes.
Comment: This variant is associated with the following publications: (PMID: 27889799)

Breakthrough Genomics
Classification: Benign. Review status: criteria provided, single submitter. Criteria: ACMG Guidelines, 2015. Collection method: not provided. Allele origin: germline. Inheritance: Unknown mechanism. Affected: yes.